The following is an entry in ClinVar:

ClinVar aggregate classification (germline): Conflicting classifications of pathogenicity. Review status: criteria provided, conflicting classifications (1 of 4 stars). 2 submissions from 2 submitters: Uncertain significance (1); Likely benign (1). Last evaluated 2023-03-24.

Conditions:
Cardiomyopathy (CMYO). Also called: Cardiomyopathies. Identifiers: Orphanet 167848, MedGen C0878544, MONDO:0004994, HP:0001638. Inheritance: Various modes of inheritance.
Catecholaminergic polymorphic ventricular tachycardia 1. Also called: VENTRICULAR TACHYCARDIA, CATECHOLAMINERGIC POLYMORPHIC, 1, WITH OR WITHOUT ATRIAL DYSFUNCTION AND/OR DILATED CARDIOMYOPATHY; RYR2-Related Catecholaminergic Polymorphic Ventricular Tachycardia; VENTRICULAR TACHYCARDIA, STRESS-INDUCED POLYMORPHIC 1. Identifiers: Orphanet 3286, MedGen C1631597, MONDO:0011484, OMIM 604772.

Submissions (2):

New York Genome Center
Classification: Uncertain significance for Catecholaminergic polymorphic ventricular tachycardia 1. Last evaluated: 2023-03-24. Review status: criteria provided, single submitter. Criteria: NYGC Assertion Criteria 2020. Collection method: clinical testing. Allele origin: germline. Observed: 1 heterozygote.
Comment: The c.4597-4T>A variant in RYR2 has not previously been reported in the literature in affected individuals with RYR2 associated disorders. This variant has been deposited in ClinVar [ClinVar ID: 922177] as likely benign variant in the context of cardiomyopathy and is absent from population databases (gnomAD v2.1.1and v3.1.2, TOPMed Freeze 8, All of Us), suggesting it is not a common benign variant in the populations represented in those databases. The c.4597-4T>A variant in RYR2 is located in the splice region preceding exon 35 of this 104-exon gene and is not predicted to affect mRNA splicing (Splice AI = 0.00) by In silico splice prediction tools, however, there are no functional studies to support or refute this prediction. Multiple splice region variants that are downstream to the c.4597-4T>A variant have been reported in the literature [PMID: 33919104] and ClinVar [ClinVar ID: 926436] in individuals with RYR2-related sudden cardiac death. Based on the available evidence, the c.4597-4T>A variant in RYR2 is classified as a Variant of Uncertain Significance.

Color Diagnostics, LLC DBA Color Health
Classification: Likely benign for Cardiomyopathy. Last evaluated: 2018-11-23. Review status: criteria provided, single submitter. Criteria: ACMG Guidelines, 2015. Collection method: clinical testing. Allele origin: germline.

NM_001035.3(RYR2):c.4597-4T>A

Gene: RYR2 (ryanodine receptor 2; plus strand). Cytogenetic location: 1q43.
Variant type: single nucleotide variant.
Coding change: c.4597-4T>A on transcript NM_001035.3 (MANE Select); 4 bases into the intron before coding-DNA position 4597, T replaced by A.
Molecular consequence: intron variant.
Genome position (GRCh38, 1-based): chr1:237,602,021, T>A. VCF-style: chr1-237602021-T-A. GRCh37 (hg19) VCF-style: chr1-237765321-T-A.
Identifiers: ClinVar variation 922177 (VCV000922177.3), dbSNP rs1676557876, ClinGen allele CA913187684.
Genomic context (GRCh38, chr1:237,602,021, plus strand): 5'-GAAAAACTTTTTCCCTTGTCTTGTTTCATTACTAACATTATTAAATTCATTAAATGTATT[T>A]CAGGTGGAACCGAGTACAAAATTATTTCCTGCGGTTTTTGCACAAGCTACAAGTCCCAAT-3'